The following is an entry in ClinVar:

ClinVar aggregate classification (germline): Uncertain significance. Review status: criteria provided, multiple submitters, no conflicts (2 of 4 stars). 2 submissions from 2 submitters: Uncertain significance (2). Last evaluated 2024-07-11.

Conditions:
3-hydroxy-3-methylglutaryl-CoA synthase deficiency (HMGCS2D). Also called: MITOCHONDRIAL HMG-CoA SYNTHASE DEFICIENCY; HMG-CoA synthase-2 deficiency; HMGCS2 DEFICIENCY. Identifiers: Orphanet 35701, MedGen C2751532, MONDO:0011614, OMIM 605911.

Allele frequency attached by ClinVar (database versions not stated): gnomAD below 0.00001 and 0.00005; TOPMed 0.00001; gnomAD exomes 0.00010 and 0.00025; ExAC 0.00027; 1000 Genomes Project 30x 0.00094; 1000 Genomes Project 0.00100.
gnomAD v4.1: 162 of 1,614,062 alleles (0.01%); highest among the groups gnomAD compares: South Asian, 0.16%; 1 homozygote.

Submissions (2):

ARUP Laboratories, Molecular Genetics and Genomics, ARUP Laboratories
Classification: Uncertain significance for 3-hydroxy-3-methylglutaryl-CoA synthase deficiency. Last evaluated: 2024-07-11. Review status: criteria provided, single submitter. Criteria: ARUP Molecular Germline Variant Investigation Process 2024. Collection method: clinical testing. Allele origin: germline.
Comment: The HMGCS2 c.1095C>G; p.Asp365Glu variant (rs587690380), to our knowledge, is not reported in the medical literature but is reported in ClinVar (Variation ID: 964690). This variant is observed in the South Asian population with an allele frequency of 0.2% (62/30616 alleles) in the Genome Aggregation Database (v2.1.1). Computational analyses are uncertain whether this variant is neutral or deleterious (REVEL: 0.154). Due to limited information, the clinical significance of this variant is uncertain at this time.

Labcorp Genetics (formerly Invitae), Labcorp
Classification: Uncertain significance for 3-hydroxy-3-methylglutaryl-CoA synthase deficiency. Last evaluated: 2021-08-27. Review status: criteria provided, single submitter. Criteria: Invitae Variant Classification Sherloc (09022015). Collection method: clinical testing. Allele origin: germline.
Comment: This sequence change replaces aspartic acid with glutamic acid at codon 365 of the HMGCS2 protein (p.Asp365Glu). The aspartic acid residue is weakly conserved and there is a small physicochemical difference between aspartic acid and glutamic acid. This variant is present in population databases (rs587690380, ExAC 0.2%). This variant has not been reported in the literature in individuals affected with HMGCS2-related conditions. Algorithms developed to predict the effect of missense changes on protein structure and function (SIFT, PolyPhen-2, Align-GVGD) all suggest that this variant is likely to be tolerated. In summary, the available evidence is currently insufficient to determine the role of this variant in disease. Therefore, it has been classified as a Variant of Uncertain Significance.

NM_005518.4(HMGCS2):c.1095C>G (p.Asp365Glu)

Gene: HMGCS2 (3-hydroxy-3-methylglutaryl-CoA synthase 2; minus strand). Cytogenetic location: 1p12.
Variant type: single nucleotide variant.
Coding change: c.1095C>G on transcript NM_005518.4 (MANE Select); coding-DNA position 1095, C replaced by G.
Protein change: p.Asp365Glu; replaces aspartic acid 365 with glutamic acid.
Molecular consequence: missense variant.
Genome position (GRCh38, 1-based): chr1:119,755,519, G>C on the plus strand (C>G on the coding strand, the complement: HMGCS2 is on the minus strand). VCF-style: chr1-119755519-G-C. GRCh37 (hg19) VCF-style: chr1-120298142-G-C.
Other names: c.969C>G, p.Asp323Glu (NM_001166107.1); short protein forms D365E, D323E.
Identifiers: ClinVar variation 964690 (VCV000964690.5), dbSNP rs587690380, ClinGen allele CA1037679.
Genomic context (GRCh38, chr1:119,755,519, plus strand): 5'-GGATGAGGTGTACATGTTCCCATTGTGAGTGGAGAGGTAAAGGGAAGCCTTGGTTTTCTT[G>C]TCGAACATGTCCTGAGAGGCCTTTAGAAGTGCTTTATCCAGGTCCTTGTTGGTGTAGGTG-3'
Protein context (NP_005509.1, residues 355-375): ALLKASQDMF[Asp365Glu]KKTKASLYLS